The following is an entry in ClinVar:

NM_001205293.3(CACNA1E):c.3445A>G (p.Ile1149Val)

Gene: CACNA1E (calcium voltage-gated channel subunit alpha1 E; plus strand). Cytogenetic location: 1q25.3.
Variant type: single nucleotide variant.
Coding change: c.3445A>G on transcript NM_001205293.3 (MANE Select); coding-DNA position 3445, A replaced by G.
Protein change: p.Ile1149Val; replaces isoleucine 1149 with valine.
Molecular consequence: missense variant.
Genome position (GRCh38, 1-based): chr1:181,737,547, A>G. VCF-style: chr1-181737547-A-G. GRCh37 (hg19) VCF-style: chr1-181706683-A-G.
Other names: c.3445A>G, p.Ile1149Val (NM_000721.4); c.3388A>G, p.Ile1130Val (NM_001205294.2); c.3445A>G (NM_001205293.1); short protein forms I1130V, I1149V.
Identifiers: ClinVar variation 2186654 (VCV002186654.6), dbSNP rs1221504456, ClinGen allele CA343621853.

ClinVar aggregate classification (germline): Uncertain significance. Review status: criteria provided, multiple submitters, no conflicts (2 of 4 stars). 3 submissions from 3 submitters: Uncertain significance (3). Last evaluated 2025-12-08.

Conditions:
Inborn genetic diseases. Identifiers: MedGen C0950123, MeSH D030342.
Developmental and epileptic encephalopathy, 69. Also called: EPILEPTIC ENCEPHALOPATHY, EARLY INFANTILE, 69. Identifiers: MedGen C4748988, MONDO:0032657, OMIM 618285.

Allele frequency attached by ClinVar (database versions not stated): gnomAD 0.00001; gnomAD exomes 0.00001; TOPMed 0.00002.
gnomAD v4.1: 11 of 1,613,860 alleles (0.00068%); highest among the groups gnomAD compares: Non-Finnish European, 0.00085%; no homozygotes.

Submissions (3):

Labcorp Genetics (formerly Invitae), Labcorp
Classification: Uncertain significance. Last evaluated: 2025-12-08. Review status: criteria provided, single submitter. Criteria: Invitae Variant Classification Sherloc (09022015). Collection method: clinical testing. Allele origin: germline.
Comment: This sequence change replaces isoleucine, which is neutral and non-polar, with valine, which is neutral and non-polar, at codon 1149 of the CACNA1E protein (p.Ile1149Val). This variant is present in population databases (no rsID available, gnomAD 0.0009%). This variant has not been reported in the literature in individuals affected with CACNA1E-related conditions. ClinVar contains an entry for this variant (Variation ID: 2186654). Invitae Evidence Modeling of protein sequence and biophysical properties (such as structural, functional, and spatial information, amino acid conservation, physicochemical variation, residue mobility, and thermodynamic stability) indicates that this missense variant is not expected to disrupt CACNA1E protein function with a negative predictive value of 95%. In summary, the available evidence is currently insufficient to determine the role of this variant in disease. Therefore, it has been classified as a Variant of Uncertain Significance.

Genome-Nilou Lab
Classification: Uncertain significance for Developmental and epileptic encephalopathy, 69. Last evaluated: 2023-04-11. Review status: criteria provided, single submitter. Criteria: ACMG Guidelines, 2015. Collection method: clinical testing. Allele origin: germline. Affected: no.

Ambry Genetics
Classification: Uncertain significance for Inborn genetic diseases. Last evaluated: 2022-10-12. Review status: criteria provided, single submitter. Criteria: Ambry Variant Classification Scheme 2023. Collection method: clinical testing. Allele origin: germline.